The following is an entry in ClinVar:

ClinVar aggregate classification (germline): Likely pathogenic (1 of 4 stars; one submission).

Conditions:
Neurodevelopmental disorder with seizures and gingival overgrowth. Identifiers: MedGen C5543395, MONDO:0859148, OMIM 619323.

Submission:

Laboratorio de Genetica e Diagnostico Molecular, Hospital Israelita Albert Einstein
Classification: Likely pathogenic for Neurodevelopmental disorder with seizures and gingival overgrowth. Last evaluated: 2022-02-18. Review status: criteria provided, single submitter. Criteria: ACMG Guidelines, 2015. Collection method: clinical testing. Allele origin: germline. Affected: yes.
Comment: ACMG classification criteria: PM2 moderate, BP4 supporting

NM_144572.2(TBC1D2B):c.425delinsTT (p.Cys142fs)

Gene: TBC1D2B (TBC1 domain family member 2B; minus strand). Cytogenetic location: 15q25.1.
Variant type: Indel.
Coding change: c.425delinsTT on transcript NM_144572.2 (MANE Select); coding-DNA position 425, G replaced by TT.
Protein change: p.Cys142fs; shifts the reading frame from cysteine 142.
Molecular consequence: frameshift variant.
Genome position (GRCh38, 1-based): chr15:78,054,123, C replaced by AA on the plus strand (G replaced by TT on the coding strand, the reverse complement: TBC1D2B is on the minus strand). VCF-style: chr15-78054123-C-AA. GRCh37 (hg19) VCF-style: chr15-78346465-C-AA.
Other names: c.425delinsTT, p.Cys142fs (NM_001387142.1, NM_001387143.1, NM_001387144.1 and 1 more transcripts); c.89delinsTT, p.Cys30fs (NM_001387145.1, NM_001387146.1, NM_001387147.1 and 2 more transcripts); short protein forms C142fs, C30fs.
Identifiers: ClinVar variation 1683745 (VCV001683745.2), dbSNP rs2141805189, ClinGen allele CA2573151184.